The following is an entry in ClinVar:

ClinVar aggregate classification (germline): Uncertain significance (1 of 4 stars; one submission).

Conditions:
Autosomal dominant nonsyndromic hearing loss 1. Also called: DEAFNESS, AUTOSOMAL DOMINANT 1, WITH OR WITHOUT THROMBOCYTOPENIA; KONIGSMARK SYNDROME. Identifiers: Orphanet 90635, MedGen C1852282, MONDO:0007424, OMIM 124900.
Progressive microcephaly-seizures-cortical blindness-developmental delay syndrome. Also called: Seizures, cortical blindness, and microcephaly syndrome. Identifiers: Orphanet 477814, MedGen C5567650, MONDO:0014714, OMIM 616632.

Submission:

Labcorp Genetics (formerly Invitae), Labcorp
Classification: Uncertain significance for Progressive microcephaly-seizures-cortical blindness-developmental delay syndrome; Autosomal dominant nonsyndromic hearing loss 1. Last evaluated: 2024-01-26. Review status: criteria provided, single submitter. Criteria: Invitae Variant Classification Sherloc (09022015). Collection method: clinical testing. Allele origin: germline.
Comment: This sequence change replaces aspartic acid, which is acidic and polar, with histidine, which is basic and polar, at codon 47 of the DIAPH1 protein (p.Asp47His). This variant is not present in population databases (gnomAD no frequency). This variant has not been reported in the literature in individuals affected with DIAPH1-related conditions. ClinVar contains an entry for this variant (Variation ID: 1433034). Experimental studies and prediction algorithms are not available or were not evaluated, and the functional significance of this variant is currently unknown. In summary, the available evidence is currently insufficient to determine the role of this variant in disease. Therefore, it has been classified as a Variant of Uncertain Significance.

NM_005219.5(DIAPH1):c.139G>C (p.Asp47His)

Gene: DIAPH1 (diaphanous related formin 1; minus strand). Cytogenetic location: 5q31.3.
Variant type: single nucleotide variant.
Coding change: c.139G>C on transcript NM_005219.5 (MANE Select); coding-DNA position 139, G replaced by C.
Protein change: p.Asp47His; replaces aspartic acid 47 with histidine.
Molecular consequence: missense variant. On other transcripts: intron variant (1).
Genome position (GRCh38, 1-based): chr5:141,588,229, C>G on the plus strand (G>C on the coding strand, the complement: DIAPH1 is on the minus strand). VCF-style: chr5-141588229-C-G. GRCh37 (hg19) VCF-style: chr5-140967796-C-G.
Other names: c.139G>C, p.Asp47His (NM_001314007.2); c.118-1032G>C (NM_001079812.3); short protein forms D47H.
Identifiers: ClinVar variation 1433034 (VCV001433034.8), dbSNP rs2154596729, ClinGen allele CA361546925.